The following is an entry in ClinVar:

ClinVar aggregate classification (germline): Uncertain significance. Review status: criteria provided, multiple submitters, no conflicts (2 of 4 stars). 2 submissions from 2 submitters: Uncertain significance (2). Last evaluated 2022-03-19.

Conditions:
Developmental and epileptic encephalopathy, 1 (DEE1). Also called: Epileptic encephalopathy, early infantile, 1; X-linked infantile spasms; West's syndrome; Tonic spasms with clustering, arrest of psychomotor development and hypsarrhythmia on EEG; X-Linked Infantile Spasm Syndrome; INFANTILE SPASM SYNDROME, X-LINKED 1. Identifiers: MedGen C3463992, MONDO:0010632, OMIM 308350. Disease mechanism: loss of function.
Intellectual disability, X-linked, with or without seizures, ARX-related. Also called: INTELLECTUAL DEVELOPMENTAL DISORDER, X-LINKED 29; MENTAL RETARDATION, X-LINKED 29; MENTAL RETARDATION, X-LINKED 32; MENTAL RETARDATION, X-LINKED 33; MENTAL RETARDATION, X-LINKED 38; MENTAL RETARDATION, X-LINKED 43. Identifiers: Orphanet 777, MedGen C0796244, MONDO:0010317, OMIM 300419.
epileptic encephalopathy, early infanitle, 1.

Allele frequency attached by ClinVar (database versions not stated): gnomAD exomes below 0.00001.
gnomAD v4.1: 1 of 1,200,969 alleles (0.000083%); highest among the groups gnomAD compares: Non-Finnish European, 0.00011%; no homozygotes.

Submissions (2):

Labcorp Genetics (formerly Invitae), Labcorp
Classification: Uncertain significance for Developmental and epileptic encephalopathy, 1; Intellectual disability, X-linked, with or without seizures, ARX-related. Last evaluated: 2022-03-19. Review status: criteria provided, single submitter. Criteria: Invitae Variant Classification Sherloc (09022015). Collection method: clinical testing. Allele origin: germline.
Comment: This variant is not present in population databases (gnomAD no frequency). This sequence change replaces glycine, which is neutral and non-polar, with valine, which is neutral and non-polar, at codon 467 of the ARX protein (p.Gly467Val). Advanced modeling of protein sequence and biophysical properties (such as structural, functional, and spatial information, amino acid conservation, physicochemical variation, residue mobility, and thermodynamic stability) performed at Invitae indicates that this missense variant is expected to disrupt ARX protein function. In summary, the available evidence is currently insufficient to determine the role of this variant in disease. Therefore, it has been classified as a Variant of Uncertain Significance. ClinVar contains an entry for this variant (Variation ID: 157745). This variant has not been reported in the literature in individuals affected with ARX-related conditions.

Genetic Services Laboratory, University of Chicago
Classification: Uncertain significance for epileptic encephalopathy, early infanitle, 1. Last evaluated: 2013-02-08. Review status: criteria provided, single submitter. Criteria: ACMG Guidelines, 2007. Collection method: clinical testing. Allele origin: germline. Inheritance: X-linked inheritance.

NM_139058.3(ARX):c.1400G>T (p.Gly467Val)

Gene: ARX (aristaless related homeobox; minus strand). Cytogenetic location: Xp21.3.
Variant type: single nucleotide variant.
Coding change: c.1400G>T on transcript NM_139058.3 (MANE Select); coding-DNA position 1400, G replaced by T.
Protein change: p.Gly467Val; replaces glycine 467 with valine.
Molecular consequence: missense variant.
Genome position (GRCh38, 1-based): chrX:25,007,159, C>A on the plus strand (G>T on the coding strand, the complement: ARX is on the minus strand). VCF-style: chrX-25007159-C-A. GRCh37 (hg19) VCF-style: chrX-25025276-C-A.
Other names: short protein forms G467V.
Identifiers: ClinVar variation 157745 (VCV000157745.11), dbSNP rs587783188, ClinGen allele CA171143.